The following is an entry in ClinVar:

NM_017826.3(SOHLH2):c.1015G>A (p.Ala339Thr)

Genes: CCDC169-SOHLH2 (CCDC169-SOHLH2 readthrough; minus strand), SOHLH2 (spermatogenesis and oogenesis specific basic helix-loop-helix 2; minus strand). Cytogenetic location: 13q13.3.
Variant type: single nucleotide variant.
Coding change: c.1015G>A on transcript NM_017826.3 (MANE Select); coding-DNA position 1015, G replaced by A.
Protein change: p.Ala339Thr; replaces alanine 339 with threonine.
Molecular consequence: missense variant.
Genome position (GRCh38, 1-based): chr13:36,170,773, C>T on the plus strand (G>A on the coding strand, the complement: SOHLH2 is on the minus strand). VCF-style: chr13-36170773-C-T. GRCh37 (hg19) VCF-style: chr13-36744910-C-T.
Other names: c.1246G>A, p.Ala416Thr (NM_001198910.2); short protein forms A339T, A416T.
Identifiers: ClinVar variation 3059526 (VCV003059526.2), dbSNP rs2296968, ClinGen allele CA6948764.

ClinVar aggregate classification (germline): Benign (0 of 4 stars; one submission).

Conditions:
SOHLH2-related disorder. Also called: SOHLH2-related condition.

Allele frequency attached by ClinVar (database versions not stated): ESP Exome Variant Server 0.18115; gnomAD 0.20008; TOPMed 0.20504; ExAC 0.23839; 1000 Genomes Project 0.26298; 1000 Genomes Project 30x 0.26343.
gnomAD v4.1: 353,006 of 1,612,634 alleles (22%); highest among the groups gnomAD compares: East Asian, 50%; 42,358 homozygotes.

Submission:

PreventionGenetics, part of Exact Sciences
Classification: Benign for SOHLH2-related condition. Last evaluated: 2019-10-25. Review status: no assertion criteria provided. Collection method: clinical testing. Allele origin: germline.
Comment: This variant is classified as benign based on ACMG/AMP sequence variant interpretation guidelines (Richards et al. 2015 PMID: 25741868, with internal and published modifications).